The following is an entry in ClinVar:

NM_000257.4(MYH7):c.4869T>C (p.Asn1623=)

Genes: MHRT (myosin heavy chain associated RNA transcript; plus strand), MYH7 (myosin heavy chain 7; minus strand), LOC126861897 (BRD4-independent group 4 enhancer GRCh37_chr14:23884455-23885654; plus strand). Cytogenetic location: 14q11.2.
Variant type: single nucleotide variant.
Coding change: c.4869T>C on transcript NM_000257.4 (MANE Select); coding-DNA position 4869, T replaced by C.
Protein change: p.Asn1623=; no amino-acid change (asparagine 1623 retained).
Molecular consequence: synonymous variant. On other transcripts: non-coding transcript variant (1).
Genome position (GRCh38, 1-based): chr14:23,416,088, A>G on the plus strand (T>C on the coding strand, the complement: MYH7 is on the minus strand). VCF-style: chr14-23416088-A-G. GRCh37 (hg19) VCF-style: chr14-23885297-A-G.
Other names: c.4869T>C (LRG_384t1).
Identifiers: ClinVar variation 509419 (VCV000509419.11), dbSNP rs1448315071, ClinGen allele CA485766500.

ClinVar aggregate classification (germline): Likely benign. Review status: criteria provided, multiple submitters, no conflicts (2 of 4 stars). 4 submissions from 4 submitters: Likely benign (4). Last evaluated 2024-10-22.

Conditions:
Cardiovascular phenotype. Identifiers: MedGen CN230736.
Hypertrophic cardiomyopathy. Also called: HYPERTROPHIC MYOCARDIOPATHY. Identifiers: Orphanet 217569, MedGen C0007194, MeSH D002312, MONDO:0005045, HP:0001639.

Allele frequency attached by ClinVar (database versions not stated): gnomAD exomes below 0.00001.
gnomAD v4.1: 1 of 1,614,102 alleles (0.000062%); highest among the groups gnomAD compares: Admixed American, 0.0017%; no homozygotes.

Submissions (4):

Ambry Genetics
Classification: Likely benign for Cardiovascular phenotype. Last evaluated: 2024-10-22. Review status: criteria provided, single submitter. Criteria: Ambry Variant Classification Scheme 2023. Collection method: clinical testing. Allele origin: germline.

Labcorp Genetics (formerly Invitae), Labcorp
Classification: Likely benign for Hypertrophic cardiomyopathy. Last evaluated: 2021-12-09. Review status: criteria provided, single submitter. Criteria: Invitae Variant Classification Sherloc (09022015). Collection method: clinical testing. Allele origin: germline.

GeneDx
Classification: Likely benign. Last evaluated: 2017-05-08. Review status: criteria provided, single submitter. Criteria: GeneDx Variant Classification (06012015). Collection method: clinical testing. Allele origin: germline. Affected: yes.
Comment: This variant is considered likely benign or benign based on one or more of the following criteria: it is a conservative change, it occurs at a poorly conserved position in the protein, it is predicted to be benign by multiple in silico algorithms, and/or has population frequency not consistent with disease.

Breakthrough Genomics
Classification: Likely benign. Review status: criteria provided, single submitter. Criteria: ACMG Guidelines, 2015. Collection method: not provided. Allele origin: germline. Inheritance: Autosomal recessive inheritance. Affected: yes.